The following is an entry in ClinVar:

ClinVar aggregate classification (germline): Likely benign. Review status: criteria provided, single submitter (1 of 4 stars). 2 submissions from 2 submitters: Likely benign (1). 1 of the submissions does not count toward it. Last evaluated 2024-08-30.

Conditions:
Fanconi anemia (FA). Also called: Fanconi's anemia. Identifiers: Orphanet 84, MedGen C0015625, MeSH D005199, MONDO:0019391.
FANCD2-related disorder. Also called: FANCD2-related condition.

Allele frequency attached by ClinVar (database versions not stated): gnomAD 0.00001; TOPMed 0.00001.
gnomAD v4.1: 21 of 1,613,812 alleles (0.0013%); highest among the groups gnomAD compares: Middle Eastern, 0.082%; no homozygotes.

Submissions (2):

Labcorp Genetics (formerly Invitae), Labcorp
Classification: Likely benign for Fanconi anemia. Last evaluated: 2024-08-30. Review status: criteria provided, single submitter. Criteria: Invitae Variant Classification Sherloc (09022015). Collection method: clinical testing. Allele origin: germline.

PreventionGenetics, part of Exact Sciences
Classification: Likely benign for FANCD2-related condition. Last evaluated: 2021-10-25. Review status: no assertion criteria provided. Collection method: clinical testing. Allele origin: germline. Not counted in ClinVar's aggregate classification.
Comment: This variant is classified as likely benign based on ACMG/AMP sequence variant interpretation guidelines (Richards et al. 2015 PMID: 25741868, with internal and published modifications).

NM_001018115.3(FANCD2):c.813G>A (p.Ser271=)

Genes: FANCD2 (FA complementation group D2; plus strand), LOC107303338 (3p25 FANCD2 Alu-mediated recombination region; plus strand). Cytogenetic location: 3p25.3.
Variant type: single nucleotide variant.
Coding change: c.813G>A on transcript NM_001018115.3 (MANE Select); coding-DNA position 813, G replaced by A.
Protein change: p.Ser271=; no amino-acid change (serine 271 retained).
Molecular consequence: synonymous variant.
Genome position (GRCh38, 1-based): chr3:10,042,588, G>A. VCF-style: chr3-10042588-G-A. GRCh37 (hg19) VCF-style: chr3-10084272-G-A.
Other names: c.813G>A, p.Ser271= (NM_001319984.2, NM_001374253.1, NM_001374254.1 and 1 more transcripts); c.813G>A (NM_001018115.2).
Identifiers: ClinVar variation 526464 (VCV000526464.10), dbSNP rs773072936, ClinGen allele CA2249376.
Genomic context (GRCh38, chr3:10,042,588, plus strand): 5'-CCTATTAAGTTTCTGTGCTTTTAATTTTTAGGTTCGCCAGTTGGTGATGGATAAGTTGTC[G>A]TCTATTAGATTGGAGGATTTACCTGTGATAATAAAGTTCATTCTTCATTCCGTAACAGCC-3'
Protein context (NP_001018125.1, residues 261-281): KVRQLVMDKL[Ser271=]SIRLEDLPVI